The following is an entry in ClinVar:

ClinVar aggregate classification (germline): Uncertain significance (1 of 4 stars; one submission).

Submission:

GeneDx
Classification: Uncertain significance. Last evaluated: 2024-05-01. Review status: criteria provided, single submitter. Criteria: GeneDx Variant Classification Process June 2021. Collection method: clinical testing. Allele origin: germline. Affected: yes.
Comment: Not observed at significant frequency in large population cohorts (gnomAD); In silico analysis supports that this missense variant does not alter protein structure/function; Has not been previously published as pathogenic or benign to our knowledge

NM_002232.5(KCNA3):c.595G>C (p.Glu199Gln)

Gene: KCNA3 (potassium voltage-gated channel subfamily A member 3; minus strand). Cytogenetic location: 1p13.3.
Variant type: single nucleotide variant.
Coding change: c.595G>C on transcript NM_002232.5 (MANE Select); coding-DNA position 595, G replaced by C.
Protein change: p.Glu199Gln; replaces glutamic acid 199 with glutamine.
Molecular consequence: missense variant.
Genome position (GRCh38, 1-based): chr1:110,674,215, C>G on the plus strand (G>C on the coding strand, the complement: KCNA3 is on the minus strand). VCF-style: chr1-110674215-C-G. GRCh37 (hg19) VCF-style: chr1-111216837-C-G.
Other names: short protein forms E199Q.
Identifiers: ClinVar variation 3373001 (VCV003373001.1).
Genomic context (GRCh38, chr1:110,674,215, plus strand): 5'-GGCGCTGGAAGTCGCGGCGGGGCAAGGGCCGCTCCTCCTCCCGCAGGAAGCCCTCGTCCT[C>G]GCGGAACTTCTCCATGGCCTCCTCGCCCAGCTGGTAGAAGCGGATCTCCTCGGAGAAAAT-3'
Protein context (NP_002223.3, residues 189-209): LGEEAMEKFR[Glu199Gln]DEGFLREEER